The following is an entry in ClinVar:

ClinVar aggregate classification (germline): Uncertain significance. Review status: criteria provided, multiple submitters, no conflicts (2 of 4 stars). 2 submissions from 2 submitters: Uncertain significance (2). Last evaluated 2025-10-29.

Conditions:
Inborn genetic diseases. Identifiers: MedGen C0950123, MeSH D030342.

gnomAD v4.1: 10 of 1,613,996 alleles (0.00062%); highest among the groups gnomAD compares: East Asian, 0.0067%; no homozygotes.

Submissions (2):

Ambry Genetics
Classification: Uncertain significance for Inborn genetic diseases. Last evaluated: 2025-10-29. Review status: criteria provided, single submitter. Criteria: Ambry Variant Classification Scheme 2023. Collection method: clinical testing. Allele origin: germline.

Women's Health and Genetics/Laboratory Corporation of America, LabCorp
Classification: Uncertain significance. Last evaluated: 2025-02-10. Review status: criteria provided, single submitter. Criteria: LabCorp Variant Classification Summary - May 2015. Collection method: clinical testing. Allele origin: germline.
Comment: Variant summary: NLRP1 c.1304C>T (p.Pro435Leu) results in a non-conservative amino acid change located in the P-loop containing nucleotide triphosphate hydrolases domain of the encoded protein sequence. Three of five in-silico tools predict a benign effect of the variant on protein function. The variant allele was found at a frequency of 2e-05 in 250362 control chromosomes. The available data on variant occurrences in the general population are insufficient to allow any conclusion about variant significance. To our knowledge, no occurrence of c.1304C>T in individuals affected with Autoinflammation With Arthritis And Dyskeratosis-AD and no experimental evidence demonstrating its impact on protein function have been reported. No submitters have cited clinical-significance assessments for this variant to ClinVar. Based on the evidence outlined above, the variant was classified as uncertain significance.

NM_033004.4(NLRP1):c.1304C>T (p.Pro435Leu)

Gene: NLRP1 (NLR family pyrin domain containing 1; minus strand). Cytogenetic location: 17p13.2.
Variant type: single nucleotide variant.
Coding change: c.1304C>T on transcript NM_033004.4 (MANE Select); coding-DNA position 1304, C replaced by T.
Protein change: p.Pro435Leu; replaces proline 435 with leucine.
Molecular consequence: missense variant.
Genome position (GRCh38, 1-based): chr17:5,559,392, G>A on the plus strand (C>T on the coding strand, the complement: NLRP1 is on the minus strand). VCF-style: chr17-5559392-G-A. GRCh37 (hg19) VCF-style: chr17-5462712-G-A.
Other names: c.1304C>T, p.Pro435Leu (NM_033007.4, NM_001033053.3, NM_014922.5 and 1 more transcripts); c.1304C>T (NM_033004.3); short protein forms P435L.
Identifiers: ClinVar variation 3768633 (VCV003768633.2).
Genomic context (GRCh38, chr17:5,559,392, plus strand): 5'-AGGAAGGATGCCTCGGGAAGTATAGTTTTCCCCAGCAAACTGCCCAGCAGTGCATCCGCC[G>A]GCTGTGGCTGGCTCCAGTGCAGACAGAGCTCAGAACTCGGCTCCTGCAAGACCCATCCTG-3'
Protein context (NP_127497.1, residues 425-445): ELCLHWSQPQ[Pro435Leu]ADALLGSLLG